The following is an entry in ClinVar:

NM_003001.5(SDHC):c.37T>C (p.Cys13Arg)

Gene: SDHC (succinate dehydrogenase complex subunit C; plus strand). Cytogenetic location: 1q23.3.
Variant type: single nucleotide variant.
Coding change: c.37T>C on transcript NM_003001.5 (MANE Select); coding-DNA position 37, T replaced by C.
Protein change: p.Cys13Arg; replaces cysteine 13 with arginine.
Molecular consequence: missense variant. On other transcripts: 5 prime UTR variant (2), non-coding transcript variant (1), intron variant (4).
Genome position (GRCh38, 1-based): chr1:161,323,630, T>C. VCF-style: chr1-161323630-T-C. GRCh37 (hg19) VCF-style: chr1-161293420-T-C.
Other names: c.37T>C, p.Cys13Arg (NM_001035511.3, NM_001035512.3, NM_001278172.3 and 2 more transcripts); c.-75T>C (NM_001407119.1); c.-193T>C (NM_001407120.1); c.21-4766T>C (NM_001407116.1, NM_001407121.1, NM_001407117.1); c.20+9205T>C (NM_001035513.3); short protein forms C13R.
Identifiers: ClinVar variation 2954266 (VCV002954266.3), dbSNP rs2526332513, ClinGen allele CA343359362.

ClinVar aggregate classification (germline): Uncertain significance (1 of 4 stars; one submission).

Conditions:
Gastrointestinal stromal tumor. Also called: Gastrointestinal stromal tumor, somatic; Gastrointestinal stroma tumor. Identifiers: Orphanet 44890, MedGen C0238198, MeSH D046152, MONDO:0011719, OMIM 606764, HP:0100723.
Pheochromocytoma/paraganglioma syndrome 3. Also called: GLOMUS TUMORS, FAMILIAL, 3; Paragangliomas 3; SDHC-Related Hereditary Paraganglioma-Pheochromocytoma Syndrome (Paragangliomas 3); SDHC-Related Hereditary Paraganglioma-Pheochromocytoma Syndrome. Identifiers: Orphanet 29072, MedGen C1854336, MONDO:0011544, OMIM 605373.

Submission:

Labcorp Genetics (formerly Invitae), Labcorp
Classification: Uncertain significance for Pheochromocytoma/paraganglioma syndrome 3; Gastrointestinal stromal tumor. Last evaluated: 2023-11-28. Review status: criteria provided, single submitter. Criteria: Invitae Variant Classification Sherloc (09022015). Collection method: clinical testing. Allele origin: germline.
Comment: This sequence change replaces cysteine, which is neutral and slightly polar, with arginine, which is basic and polar, at codon 13 of the SDHC protein (p.Cys13Arg). This variant is not present in population databases (gnomAD no frequency). This variant has not been reported in the literature in individuals affected with SDHC-related conditions. An algorithm developed to predict the effect of missense changes on protein structure and function (PolyPhen-2) suggests that this variant is likely to be disruptive. In summary, the available evidence is currently insufficient to determine the role of this variant in disease. Therefore, it has been classified as a Variant of Uncertain Significance.